The following is an entry in ClinVar:

ClinVar aggregate classification (germline): Uncertain significance (1 of 4 stars; one submission).

Submission:

CeGaT Center for Human Genetics Tuebingen
Classification: Uncertain significance. Last evaluated: 2024-11-01. Review status: criteria provided, single submitter. Criteria: CeGaT Center For Human Genetics Tuebingen Variant Classification Criteria Version 2. Collection method: clinical testing. Allele origin: germline. Affected: yes. Observed: 1 variant allele.
Comment: KDM5B: PM2, BP4

NM_006618.5(KDM5B):c.3559G>T (p.Ala1187Ser)

Gene: KDM5B (lysine demethylase 5B; minus strand). Cytogenetic location: 1q32.1.
Variant type: single nucleotide variant.
Coding change: c.3559G>T on transcript NM_006618.5 (MANE Select); coding-DNA position 3559, G replaced by T.
Protein change: p.Ala1187Ser; replaces alanine 1187 with serine.
Molecular consequence: missense variant.
Genome position (GRCh38, 1-based): chr1:202,733,751, C>A on the plus strand (G>T on the coding strand, the complement: KDM5B is on the minus strand). VCF-style: chr1-202733751-C-A. GRCh37 (hg19) VCF-style: chr1-202702879-C-A.
Other names: c.3667G>T, p.Ala1223Ser (NM_001314042.2); c.3424G>T, p.Ala1142Ser (NM_001347591.2); c.3544G>T, p.Ala1182Ser (NM_001399817.1); short protein forms A1142S, A1182S, A1187S, A1223S.
Identifiers: ClinVar variation 3390064 (VCV003390064.14).
Genomic context (GRCh38, chr1:202,733,751, plus strand): 5'-GTACCGCCACACAACTGGTGTGGAAAGCATCCCTGCAGAGTTCACATTGAATCATAGGGG[C>A]AGCTGGGGCCTTCTGACATAGGCAGATTTTTATATCCACATCTTGGAGAGGCGACAGCAA-3'
Protein context (NP_006609.3, residues 1177-1197): KICLCQKAPA[Ala1187Ser]PMIQCELCRD